The following is an entry in ClinVar:

ClinVar aggregate classification (germline): Benign/Likely benign. Review status: criteria provided, multiple submitters, no conflicts (2 of 4 stars). 10 submissions from 10 submitters: Benign (5); Likely benign (4). 1 of the submissions does not count toward it. Last evaluated 2026-02-01.

Conditions:
Cardiovascular phenotype. Identifiers: MedGen CN230736.
Dilated cardiomyopathy 1JJ (CMD1JJ). Identifiers: Orphanet 154, MedGen C3808935, MONDO:0014095, OMIM 615235.
Primary dilated cardiomyopathy (DCM). Also called: Dilated Cardiomyopathy. Identifiers: Orphanet 217604, MedGen C0007193, MeSH D002311, MONDO:0005021, HP:0001644. Inheritance: Various modes of inheritance.

Allele frequency attached by ClinVar (database versions not stated): ESP Exome Variant Server 0.00277; gnomAD 0.00341 and 0.00349; TOPMed 0.00354; gnomAD exomes 0.00034 and 0.00087; 1000 Genomes Project 30x 0.00515; ExAC 0.00119; 1000 Genomes Project 0.00519.
gnomAD v4.1: 1,044 of 1,614,070 alleles (0.065%); highest among the groups gnomAD compares: African/African-American, 1.2%; 10 homozygotes.

Submissions (10):

Labcorp Genetics (formerly Invitae), Labcorp
Classification: Benign for Dilated cardiomyopathy 1JJ. Last evaluated: 2026-02-01. Review status: criteria provided, single submitter. Criteria: Invitae Variant Classification Sherloc (09022015). Collection method: clinical testing. Allele origin: germline.

Women's Health and Genetics/Laboratory Corporation of America, LabCorp
Classification: Likely benign. Last evaluated: 2023-12-03. Review status: criteria provided, single submitter. Criteria: LabCorp Variant Classification Summary - May 2015. Collection method: clinical testing. Allele origin: germline.

ARUP Laboratories, Molecular Genetics and Genomics, ARUP Laboratories
Classification: Likely benign for Dilated cardiomyopathy 1JJ. Last evaluated: 2021-02-04. Review status: criteria provided, single submitter. Criteria: ARUP Molecular Germline Variant Investigation Process 2021. Collection method: clinical testing. Allele origin: germline.

Center for Advanced Laboratory Medicine, UC San Diego Health, University of California San Diego
Classification: Benign for Dilated cardiomyopathy. Last evaluated: 2017-08-21. Review status: criteria provided, single submitter. Criteria: ACMG Guidelines, 2015. Collection method: clinical testing. Allele origin: germline. Affected: yes. Observed: 1 variant allele.

Clinical Genetics DNA and cytogenetics Diagnostics Lab, Erasmus MC, Erasmus Medical Center
Classification: Benign for Dilated cardiomyopathy 1JJ. Last evaluated: 2017-05-31. Review status: criteria provided, single submitter. Criteria: ACGS Guidelines, 2013. Collection method: clinical testing. Allele origin: germline. Affected: yes. Study: VKGL Data-share Consensus.

Ambry Genetics
Classification: Benign for Cardiovascular phenotype. Last evaluated: 2015-10-28. Review status: criteria provided, single submitter. Criteria: Ambry Variant Classification Scheme 2023. Collection method: clinical testing. Allele origin: germline.

GeneDx
Classification: Benign. Last evaluated: 2014-07-08. Review status: criteria provided, single submitter. Criteria: GeneDx Variant Classification (06012015). Collection method: clinical testing. Allele origin: germline. Affected: yes.
Comment: This variant is considered likely benign or benign based on one or more of the following criteria: it is a conservative change, it occurs at a poorly conserved position in the protein, it is predicted to be benign by multiple in silico algorithms, and/or has population frequency not consistent with disease.

Laboratory for Molecular Medicine, Mass General Brigham Personalized Medicine
Classification: Likely benign. Last evaluated: 2012-04-18. Review status: criteria provided, single submitter. Criteria: LMM Criteria. Collection method: clinical testing. Allele origin: germline. Observed: 8 variant alleles.
Comment: Glu930Gly in exon 21 of LAMA4: This variant is not expected to have clinical sig nificance because it has been identified in 0.8% (30/3738) of African American c hromosomes from a broad population by the NHLBI Exome Sequencing Project (dbSNP rs35605307). Glu930Gly in exon 21 of LAMA4 (r s35605307; allele frequency = 0.8%, 30/3738) **

Breakthrough Genomics
Classification: Likely benign. Review status: criteria provided, single submitter. Criteria: ACMG Guidelines, 2015. Collection method: not provided. Allele origin: germline. Inheritance: Autosomal dominant inheritance. Affected: yes.

Clinical Genetics, Academic Medical Center
Classification: Benign. Review status: no assertion criteria provided. Collection method: clinical testing. Allele origin: germline. Affected: yes. Study: VKGL Data-share Consensus. Not counted in ClinVar's aggregate classification.

NM_001105206.3(LAMA4):c.2810A>G (p.Glu937Gly)

Genes: LAMA4 (laminin subunit alpha 4; minus strand), LOC126859766 (MED14-independent group 3 enhancer GRCh37_chr6:112462018-112463217; plus strand). Cytogenetic location: 6q21.
Variant type: single nucleotide variant.
Coding change: c.2810A>G on transcript NM_001105206.3 (MANE Select); coding-DNA position 2810, A replaced by G.
Protein change: p.Glu937Gly; replaces glutamic acid 937 with glycine.
Molecular consequence: missense variant.
Genome position (GRCh38, 1-based): chr6:112,141,361, T>C on the plus strand (A>G on the coding strand, the complement: LAMA4 is on the minus strand). VCF-style: chr6-112141361-T-C. GRCh37 (hg19) VCF-style: chr6-112462563-T-C.
Other names: p.E930G:GAA>GGA; c.2789A>G, p.Glu930Gly (NM_001105207.3, NM_002290.5); short protein forms E930G, E937G.
Identifiers: ClinVar variation 44366 (VCV000044366.33), dbSNP rs35605307, ClinGen allele CA282368.
Genomic context (GRCh38, chr6:112,141,361, plus strand): 5'-TTCAACAGGTTTCTTGTGATATGTGCATATATGCCCTGTGTCATGGATTCACTGTACCTT[T>C]CAATCTTGACAATGCTGAAGTAAGCAGGCCAGGAACTGACGGGCTTGGAGTCCAGGGGAA-3'
Protein context (NP_001098676.2, residues 927-947): WPAYFSIVKI[Glu937Gly]RVGKHGKVFL